The following is an entry in ClinVar:

NM_001267550.2(TTN):c.52226_52227del (p.Lys17409fs)

Genes: TTN-AS1 (TTN antisense RNA 1; plus strand), TTN (titin; minus strand). Cytogenetic location: 2q31.2.
Variant type: Deletion.
Coding change: c.52226_52227del on transcript NM_001267550.2 (MANE Select); coding-DNA positions 52226 to 52227, 2 bases deleted (AA; older notation c.52226_52227delAA).
Protein change: p.Lys17409fs; shifts the reading frame from lysine 17409.
Molecular consequence: frameshift variant.
Genome position (GRCh38, 1-based): chr2:178,608,784-178,608,785, TT deleted on the plus strand (AA on the coding strand, the reverse complement: TTN is on the minus strand); deleting any 2 consecutive bases within chr2:178,608,784-178,608,786 gives the same sequence; the c. name uses the placement nearest the transcript's 3' end. VCF-style (leftmost placement, unchanged base first): chr2-178608783-CTT-C. GRCh37 (hg19) VCF-style: chr2-179473510-CTT-C.
Other names: c.47303_47304del, p.Lys15768fs (NM_001256850.1); c.25031_25032del, p.Lys8344fs (NM_003319.4); c.44522_44523del, p.Lys14841fs (NM_133378.4); c.25406_25407del, p.Lys8469fs (NM_133432.3); c.25607_25608del, p.Lys8536fs (NM_133437.4); c.25031_25032delAA (NM_003319.4); short protein forms K8536fs, K15768fs, K14841fs, K17409fs, K8344fs, K8469fs.
Identifiers: ClinVar variation 835928 (VCV000835928.11), dbSNP rs2055549415, ClinGen allele CA916081362.

ClinVar aggregate classification (germline): Likely pathogenic. Review status: criteria provided, multiple submitters, no conflicts (2 of 4 stars). 2 submissions from 2 submitters: Likely pathogenic (2). Last evaluated 2026-08-13.

Conditions:
Cardiovascular phenotype. Identifiers: MedGen CN230736.
Dilated cardiomyopathy 1G (CMD1G). Identifiers: Orphanet 154, MedGen C1858763, MONDO:0011400, OMIM 604145.
Autosomal recessive limb-girdle muscular dystrophy type 2J (LGMDR10). Also called: Limb-girdle muscular dystrophy, type 2J; MUSCULAR DYSTROPHY, LIMB-GIRDLE, AUTOSOMAL RECESSIVE 10. Identifiers: Orphanet 140922, MedGen C1837342, MONDO:0012127, OMIM 608807.

Submissions (2):

Ambry Genetics
Classification: Likely pathogenic for Cardiovascular phenotype. Last evaluated: 2026-08-13. Review status: criteria provided, single submitter. Criteria: Ambry Variant Classification Scheme 2023. Collection method: clinical testing. Allele origin: germline.
Comment: The c.25031_25032delAA variant, located in coding exon 101 of the TTN gene, results from a deletion of two nucleotides at nucleotide positions 25031 to 25032, causing a translational frameshift with a predicted alternate stop codon (p.K8344Rfs*17). This exon is located in the A-band region of the N2-B isoform of the titin protein and is constitutively expressed in TTN transcripts (percent spliced in or PSI 100%). This variant was reported in individual(s) with features consistent with dilated cardiomyopathy (Ambry internal data). This variant is considered to be rare based on population cohorts in the Genome Aggregation Database (gnomAD). This variant is expected to result in loss of function by premature protein truncation or nonsense-mediated mRNA decay. While truncating variants in TTN are present in 1-3% of the general population, truncating variants in the A-band are the most common cause of dilated cardiomyopathy (Herman DS et al. N. Engl. J. Med., 2012 Feb;366:619-28; Roberts AM et al. Sci Transl Med, 2015 Jan;7:270ra6). TTN truncating variants encoded in constitutive exons (PSI >90%) have been found to be significantly associated with DCM regardless of their position in titin (Schafer S et al. Nat. Genet., 2017 01;49:46-53; Akhtar MM et al. Circ Heart Fail, 2020 Oct;13:e006832; Massier M et al. Clin Genet, 2025 Jan). Based on the majority of available evidence to date, this variant is likely to be pathogenic.

Labcorp Genetics (formerly Invitae), Labcorp
Classification: Likely pathogenic for Dilated cardiomyopathy 1G; Autosomal recessive limb-girdle muscular dystrophy type 2J. Last evaluated: 2023-07-17. Review status: criteria provided, single submitter. Criteria: Invitae Variant Classification Sherloc (09022015). Collection method: clinical testing. Allele origin: germline.
Comment: This variant is located in the A band of TTN (PMID: 25589632). Truncating variants in this region are significantly overrepresented in patients affected with dilated cardiomyopathy (PMID: 25589632). Truncating variants in this region have also been reported in individuals affected with autosomal recessive centronuclear myopathy (PMID: 23975875). In summary, the currently available evidence indicates that the variant is pathogenic, but additional data are needed to prove that conclusively. Therefore, this variant has been classified as Likely Pathogenic. ClinVar contains an entry for this variant (Variation ID: 835928). This variant has not been reported in the literature in individuals affected with TTN-related conditions. This variant is not present in population databases (gnomAD no frequency). This sequence change creates a premature translational stop signal (p.Lys17409Argfs*17) in the TTN gene. While this is not anticipated to result in nonsense mediated decay, it is expected to create a truncated TTN protein.

Literature cited by the submitters: PubMed 25589632 (cited by Labcorp Genetics (formerly Invitae), Labcorp); PubMed 23975875 (cited by Labcorp Genetics (formerly Invitae), Labcorp).